The following is an entry in ClinVar:

NM_001271.4(CHD2):c.3371G>A (p.Arg1124Gln)

Gene: CHD2 (chromodomain helicase DNA binding protein 2; plus strand). Cytogenetic location: 15q26.1.
Variant type: single nucleotide variant.
Coding change: c.3371G>A on transcript NM_001271.4 (MANE Select); coding-DNA position 3371, G replaced by A.
Protein change: p.Arg1124Gln; replaces arginine 1124 with glutamine.
Molecular consequence: missense variant.
Genome position (GRCh38, 1-based): chr15:92,985,631, G>A. VCF-style: chr15-92985631-G-A. GRCh37 (hg19) VCF-style: chr15-93528861-G-A.
Other names: short protein forms R1124Q.
Identifiers: ClinVar variation 1421405 (VCV001421405.6), dbSNP rs746349198, ClinGen allele CA7748191.

ClinVar aggregate classification (germline): Uncertain significance (1 of 4 stars; one submission).

Conditions:
Developmental and epileptic encephalopathy 94 (DEE94). Also called: CHD2-Related Neurodevelopmental Disorders; Epileptic encephalopathy, childhood-onset. Identifiers: Orphanet 1942, Orphanet 2382, MedGen C3809278, MONDO:0014150, OMIM 615369.

Allele frequency attached by ClinVar (database versions not stated): gnomAD 0.00001; gnomAD exomes 0.00001 and 0.00003; ExAC 0.00002; TOPMed 0.00002.
gnomAD v4.1: 20 of 1,613,490 alleles (0.0012%); highest among the groups gnomAD compares: African/African-American, 0.0027%; no homozygotes.

Submission:

Labcorp Genetics (formerly Invitae), Labcorp
Classification: Uncertain significance for Developmental and epileptic encephalopathy 94. Last evaluated: 2023-05-30. Review status: criteria provided, single submitter. Criteria: Invitae Variant Classification Sherloc (09022015). Collection method: clinical testing. Allele origin: germline.
Comment: This sequence change replaces arginine, which is basic and polar, with glutamine, which is neutral and polar, at codon 1124 of the CHD2 protein (p.Arg1124Gln). In summary, the available evidence is currently insufficient to determine the role of this variant in disease. Therefore, it has been classified as a Variant of Uncertain Significance. Advanced modeling of protein sequence and biophysical properties (such as structural, functional, and spatial information, amino acid conservation, physicochemical variation, residue mobility, and thermodynamic stability) performed at Invitae indicates that this missense variant is not expected to disrupt CHD2 protein function. ClinVar contains an entry for this variant (Variation ID: 1421405). This variant has not been reported in the literature in individuals affected with CHD2-related conditions. This variant is present in population databases (rs746349198, gnomAD 0.007%).